The following is an entry in ClinVar:

NM_000276.4(OCRL):c.2475C>G (p.Ile825Met)

Gene: OCRL (OCRL inositol polyphosphate-5-phosphatase; plus strand). Cytogenetic location: Xq26.1.
Variant type: single nucleotide variant.
Coding change: c.2475C>G on transcript NM_000276.4 (MANE Select); coding-DNA position 2475, C replaced by G.
Protein change: p.Ile825Met; replaces isoleucine 825 with methionine.
Molecular consequence: missense variant.
Genome position (GRCh38, 1-based): chrX:129,589,850, C>G. VCF-style: chrX-129589850-C-G. GRCh37 (hg19) VCF-style: chrX-128723827-C-G.
Other names: c.2478C>G, p.Ile826Met (NM_001318784.2); c.2451C>G, p.Ile817Met (NM_001587.4); short protein forms I817M, I825M, I826M.
Identifiers: ClinVar variation 4531049 (VCV004531049.2).
Genomic context (GRCh38, chrX:129,589,850, plus strand): 5'-TTACTTTCATCTTCCACCTGTTTTTCTCACTGCCTGCCCCTATTTTTAAAAACAGGTGAT[C>G]TCCCAGCTTCCGAGATGCCATAGAAATGTTTTCCGTTACTTGATGGCATTCCTTCGAGAA-3'
Protein context (NP_000267.2, residues 815-835): AYDPRICRQV[Ile825Met]SQLPRCHRNV

ClinVar aggregate classification (germline): Uncertain significance (1 of 4 stars; one submission).

gnomAD v4.1: 3 of 1,202,716 alleles (0.00025%); highest among the groups gnomAD compares: Non-Finnish European, 0.00034%; no homozygotes.

Submission:

GeneDx
Classification: Uncertain significance. Last evaluated: 2026-08-12. Review status: criteria provided, single submitter. Criteria: GeneDx Variant Classification Process June 2021. Collection method: clinical testing. Allele origin: germline.
Comment: Not observed at significant frequency in large population cohorts (gnomAD); In silico analysis supports that this missense variant has a deleterious effect on protein structure/function; Has not been previously published as pathogenic or benign to our knowledge